The following is an entry in ClinVar:

NM_003151.4(STAT4):c.113T>C (p.Ile38Thr)

Gene: STAT4 (signal transducer and activator of transcription 4; minus strand). Cytogenetic location: 2q32.3.
Variant type: single nucleotide variant.
Coding change: c.113T>C on transcript NM_003151.4 (MANE Select); coding-DNA position 113, T replaced by C.
Protein change: p.Ile38Thr; replaces isoleucine 38 with threonine.
Molecular consequence: missense variant.
Genome position (GRCh38, 1-based): chr2:191,148,091, A>G on the plus strand (T>C on the coding strand, the complement: STAT4 is on the minus strand). VCF-style: chr2-191148091-A-G. GRCh37 (hg19) VCF-style: chr2-192012817-A-G.
Other names: c.113T>C, p.Ile38Thr (NM_001243835.2); short protein forms I38T.
Identifiers: ClinVar variation 1905155 (VCV001905155.5), dbSNP rs2471013651, ClinGen allele CA350002755.

ClinVar aggregate classification (germline): Uncertain significance (1 of 4 stars; one submission).

Submission:

Labcorp Genetics (formerly Invitae), Labcorp
Classification: Uncertain significance. Last evaluated: 2024-02-23. Review status: criteria provided, single submitter. Criteria: Invitae Variant Classification Sherloc (09022015). Collection method: clinical testing. Allele origin: germline.
Comment: This sequence change replaces isoleucine, which is neutral and non-polar, with threonine, which is neutral and polar, at codon 38 of the STAT4 protein (p.Ile38Thr). This variant is not present in population databases (gnomAD no frequency). This variant has not been reported in the literature in individuals affected with STAT4-related conditions. ClinVar contains an entry for this variant (Variation ID: 1905155). Advanced modeling of protein sequence and biophysical properties (such as structural, functional, and spatial information, amino acid conservation, physicochemical variation, residue mobility, and thermodynamic stability) performed at Invitae indicates that this missense variant is expected to disrupt STAT4 protein function with a positive predictive value of 80%. In summary, the available evidence is currently insufficient to determine the role of this variant in disease. Therefore, it has been classified as a Variant of Uncertain Significance.